The following is an entry in ClinVar:

ClinVar aggregate classification (germline): Conflicting classifications of pathogenicity. Review status: criteria provided, conflicting classifications (1 of 4 stars). 2 submissions from 2 submitters: Likely pathogenic (1); Uncertain significance (1). Last evaluated 2026-01-05.

Conditions:
CYCS-related disorder. Also called: CYCS-related condition.
Thrombocytopenia 4 (THC4). Also called: THROMBOCYTOPENIA, AUTOSOMAL DOMINANT, 4. Identifiers: Orphanet 268322, MedGen C2677608, MONDO:0012775, OMIM 612004.

Allele frequency attached by ClinVar (database versions not stated): gnomAD exomes below 0.00001.
gnomAD v4.1: 1 of 1,602,542 alleles (0.000062%); highest among the groups gnomAD compares: Non-Finnish European, 0.000085%; no homozygotes.

Submissions (2):

PreventionGenetics, part of Exact Sciences
Classification: Likely pathogenic for CYCS-related condition. Last evaluated: 2026-01-05. Review status: criteria provided, single submitter. Criteria: ACMG Guidelines, 2015. Collection method: clinical testing. Allele origin: germline.
Comment: The CYCS c.295C>T variant is predicted to result in the amino acid substitution p.Leu99Phe. To our knowledge, this variant has not been reported in the literature. However, a different missense variant in the same codon (c.295C>G, p.Leu99Val) has been reported in multiple individuals with thrombocytopenia and interpreted as likely pathogenic in a cohort study with whole-genome sequencing of patients with rare diseases (Table S2, Turro et al. 2020. PubMed ID: 32581362) suggesting that substitution of amino acid residue p.Leu99 is not tolerated. At PreventionGenetics, we have detected this variant in the heterozygous state in multiple affected individuals with thrombocytopenia in a family and an unrelated individual. This variant is not reported in a large population database (gnomAD), indicating this variant is rare. This variant is interpreted as likely pathogenic.

Laboratorio de Genetica e Diagnostico Molecular, Hospital Israelita Albert Einstein
Classification: Uncertain significance for Thrombocytopenia 4. Last evaluated: 2025-10-23. Review status: criteria provided, single submitter. Criteria: ACMG Guidelines, 2015. Collection method: clinical testing. Allele origin: germline. Affected: yes.
Comment: ACMG classification criteria: PS4 supporting, PM2 supporting, PP3 supporting

NM_018947.6(CYCS):c.295C>T (p.Leu99Phe)

Gene: CYCS (cytochrome c, somatic; minus strand). Cytogenetic location: 7p15.3.
Variant type: single nucleotide variant.
Coding change: c.295C>T on transcript NM_018947.6 (MANE Select); coding-DNA position 295, C replaced by T.
Protein change: p.Leu99Phe; replaces leucine 99 with phenylalanine.
Molecular consequence: missense variant.
Genome position (GRCh38, 1-based): chr7:25,123,724, G>A on the plus strand (C>T on the coding strand, the complement: CYCS is on the minus strand). VCF-style: chr7-25123724-G-A. GRCh37 (hg19) VCF-style: chr7-25163343-G-A.
Other names: short protein forms L99F.
Identifiers: ClinVar variation 2628903 (VCV002628903.3), dbSNP rs1583394629, ClinGen allele CA367059991.
Genomic context (GRCh38, chr7:25,123,724, plus strand): 5'-ATTTCTGTTTTGTAATAAATAAGGCAGTGGCCAATTATTACTCATTAGTAGCTTTTTTGA[G>A]ATAAGCTATTAAGTCTGCCCTTTCTTCCTTCTTCTTAATGCCGACAAAGATCATTTTTGT-3'
Protein context (NP_061820.1, residues 89-105): KEERADLIAY[Leu99Phe]KKATNE